The following is an entry in ClinVar:

NM_017617.5(NOTCH1):c.1670-18G>A

Gene: NOTCH1 (notch receptor 1; minus strand). Cytogenetic location: 9q34.3.
Variant type: single nucleotide variant.
Coding change: c.1670-18G>A on transcript NM_017617.5 (MANE Select); 18 bases into the intron before coding-DNA position 1670, G replaced by A.
Molecular consequence: intron variant.
Genome position (GRCh38, 1-based): chr9:136,515,734, C>T on the plus strand (G>A on the coding strand, the complement: NOTCH1 is on the minus strand). VCF-style: chr9-136515734-C-T. GRCh37 (hg19) VCF-style: chr9-139410186-C-T.
Other names: c.1670-18G>A (LRG_1122t1).
Identifiers: ClinVar variation 392778 (VCV000392778.10), dbSNP rs375041394, ClinGen allele CA5341664.

ClinVar aggregate classification (germline): Likely benign. Review status: criteria provided, multiple submitters, no conflicts (2 of 4 stars). 6 submissions from 5 submitters: Likely benign (6). Last evaluated 2025-12-17.

Conditions:
Connective tissue disorder. Also called: Connective tissue disease. Identifiers: MedGen C0009782, MONDO:0003900.
Adams-Oliver syndrome 5 (AOS5). Identifiers: Orphanet 974, MedGen C4014970, MONDO:0014459, OMIM 616028.
Aortic valve disease 1 (AOVD1). Identifiers: MedGen C3887892, MONDO:0024523, OMIM 109730.

Allele frequency attached by ClinVar (database versions not stated): gnomAD exomes 0.00004 and 0.00007; TOPMed 0.00008; gnomAD 0.00009 and 0.00010; ExAC 0.00012; ESP Exome Variant Server 0.00017.
gnomAD v4.1: 115 of 1,529,670 alleles (0.0075%); highest among the groups gnomAD compares: Non-Finnish European, 0.0083%; no homozygotes.

Submissions (6):

Labcorp Genetics (formerly Invitae), Labcorp
Classification: Likely benign for Adams-Oliver syndrome 5. Last evaluated: 2025-12-17. Review status: criteria provided, single submitter. Criteria: Invitae Variant Classification Sherloc (09022015). Collection method: clinical testing. Allele origin: germline.

Blueprint Genetics
Classification: Likely benign. Last evaluated: 2024-10-18. Review status: criteria provided, single submitter. Criteria: ACMG Guidelines, 2015. Collection method: clinical testing. Allele origin: germline.

Genome-Nilou Lab
Classification: Likely benign for Adams-Oliver syndrome 5. Last evaluated: 2022-03-15. Review status: criteria provided, single submitter. Criteria: ACMG Guidelines, 2015. Collection method: clinical testing. Allele origin: germline. Affected: no.

Genome-Nilou Lab
Classification: Likely benign for Aortic valve disease 1. Last evaluated: 2022-03-15. Review status: criteria provided, single submitter. Criteria: ACMG Guidelines, 2015. Collection method: clinical testing. Allele origin: germline. Affected: no.

GeneDx
Classification: Likely benign. Last evaluated: 2017-01-16. Review status: criteria provided, single submitter. Criteria: GeneDx Variant Classification (06012015). Collection method: clinical testing. Allele origin: germline. Affected: yes.
Comment: This variant is considered likely benign or benign based on one or more of the following criteria: it is a conservative change, it occurs at a poorly conserved position in the protein, it is predicted to be benign by multiple in silico algorithms, and/or has population frequency not consistent with disease.

Center for Human Genetics, Inc
Classification: Likely benign for Connective tissue disorder. Last evaluated: 2016-11-01. Review status: criteria provided, single submitter. Criteria: ACMG Guidelines, 2015. Collection method: clinical testing. Allele origin: germline. Affected: yes.